The following is an entry in ClinVar:

ClinVar aggregate classification (germline): Uncertain significance (1 of 4 stars; one submission).

Submission:

CeGaT Center for Human Genetics Tuebingen
Classification: Uncertain significance. Last evaluated: 2023-11-01. Review status: criteria provided, single submitter. Criteria: CeGaT Center For Human Genetics Tuebingen Variant Classification Criteria Version 2. Collection method: clinical testing. Allele origin: germline. Affected: yes. Observed: 1 variant allele.
Comment: MAPK8IP3: PM2

NM_001318852.2(MAPK8IP3):c.551T>C (p.Met184Thr)

Gene: MAPK8IP3 (mitogen-activated protein kinase 8 interacting protein 3; plus strand). Cytogenetic location: 16p13.3.
Variant type: single nucleotide variant.
Coding change: c.551T>C on transcript NM_001318852.2 (MANE Select); coding-DNA position 551, T replaced by C.
Protein change: p.Met184Thr; replaces methionine 184 with threonine.
Molecular consequence: missense variant.
Genome position (GRCh38, 1-based): chr16:1,729,527, T>C. VCF-style: chr16-1729527-T-C. GRCh37 (hg19) VCF-style: chr16-1779528-T-C.
Other names: c.551T>C, p.Met184Thr (NM_001040439.2, NM_015133.5, NM_033392.3); short protein forms M184T.
Identifiers: ClinVar variation 2672602 (VCV002672602.23), dbSNP rs2547990759, ClinGen allele CA394220028.
Genomic context (GRCh38, chr16:1,729,527, plus strand): 5'-AGGCGTTTCCCTCCTCGCAGATGATACAGACCTACGTGGAGCACATTGAGAGGTCCAAGA[T>C]GCAGCAGGTCGGAGGAAACAGCCAGACCGAGAGCAGCCTGCCGGGGCGGAGGTACGCGGG-3'
Protein context (NP_001305781.1, residues 174-194): TYVEHIERSK[Met184Thr]QQVGGNSQTE